The following is an entry in ClinVar:

NM_017875.4(SLC25A38):c.382A>G (p.Met128Val)

Gene: SLC25A38 (solute carrier family 25 member 38; plus strand). Cytogenetic location: 3p22.1.
Variant type: single nucleotide variant.
Coding change: c.382A>G on transcript NM_017875.4 (MANE Select); coding-DNA position 382, A replaced by G.
Protein change: p.Met128Val; replaces methionine 128 with valine.
Molecular consequence: missense variant.
Genome position (GRCh38, 1-based): chr3:39,391,546, A>G. VCF-style: chr3-39391546-A-G. GRCh37 (hg19) VCF-style: chr3-39433037-A-G.
Other names: c.382A>G, p.Met128Val (LRG_1133t1, NM_001354798.2); short protein forms M128V.
Identifiers: ClinVar variation 345147 (VCV000345147.17), dbSNP rs146940902, ClinGen allele CA2327438.

ClinVar aggregate classification (germline): Benign/Likely benign. Review status: criteria provided, multiple submitters, no conflicts (2 of 4 stars). 5 submissions from 5 submitters: Benign (3); Likely benign (1). 1 of the submissions does not count toward it. Last evaluated 2026-02-02.

Conditions:
Sideroblastic anemia 2. Also called: Anemia, sideroblastic, 2, pyridoxine-refractory. Identifiers: Orphanet 260305, MedGen C4225425, MONDO:0008785, OMIM 205950.
SLC25A38-related disorder. Also called: SLC25A38-related condition; SLC25A38-related disorders.

Allele frequency attached by ClinVar (database versions not stated): 1000 Genomes Project 30x 0.00812; 1000 Genomes Project 0.00919; ESP Exome Variant Server 0.00046; gnomAD 0.00282 and 0.00347; TOPMed 0.00334; ExAC 0.00501; gnomAD exomes 0.00546.

Submissions (5):

Labcorp Genetics (formerly Invitae), Labcorp
Classification: Benign. Last evaluated: 2026-02-02. Review status: criteria provided, single submitter. Criteria: Invitae Variant Classification Sherloc (09022015). Collection method: clinical testing. Allele origin: germline.

Illumina Laboratory Services, Illumina
Classification: Benign for Sideroblastic anemia 2. Last evaluated: 2018-01-12. Review status: criteria provided, single submitter. Criteria: ICSL Variant Classification Criteria 13 December 2019. Collection method: clinical testing. Allele origin: germline.
Comment: This variant was observed in the ICSL laboratory as part of a predisposition screen in an ostensibly healthy population. It had not been previously curated by ICSL or reported in the Human Gene Mutation Database (HGMD: prior to June 1st, 2018), and was therefore a candidate for classification through an automated scoring system. Utilizing variant allele frequency, disease prevalence and penetrance estimates, and inheritance mode, an automated score was calculated to assess if this variant is too frequent to cause the disease. Based on the score and internal cut-off values, a variant classified as benign is not then subjected to further curation. The score for this variant resulted in a classification of benign for this disease.

GeneDx
Classification: Benign. Last evaluated: 2016-05-13. Review status: criteria provided, single submitter. Criteria: GeneDx Variant Classification (06012015). Collection method: clinical testing. Allele origin: germline. Affected: yes.
Comment: This variant is considered likely benign or benign based on one or more of the following criteria: it is a conservative change, it occurs at a poorly conserved position in the protein, it is predicted to be benign by multiple in silico algorithms, and/or has population frequency not consistent with disease.

Breakthrough Genomics
Classification: Likely benign. Review status: criteria provided, single submitter. Criteria: ACMG Guidelines, 2015. Collection method: not provided. Allele origin: germline. Inheritance: Autosomal recessive inheritance. Affected: yes.

PreventionGenetics, part of Exact Sciences
Classification: Benign for SLC25A38-related condition. Last evaluated: 2021-02-18. Review status: no assertion criteria provided. Collection method: clinical testing. Allele origin: germline. Not counted in ClinVar's aggregate classification.
Comment: This variant is classified as benign based on ACMG/AMP sequence variant interpretation guidelines (Richards et al. 2015 PMID: 25741868, with internal and published modifications).